The following is an entry in ClinVar:

ClinVar aggregate classification (germline): Benign/Likely benign. Review status: criteria provided, multiple submitters, no conflicts (2 of 4 stars). 5 submissions from 5 submitters: Benign (1); Likely benign (4). Last evaluated 2026-02-04.

Conditions:
Hereditary cancer-predisposing syndrome. Also called: Tumor predisposition; Hereditary Cancer Syndrome; Neoplastic Syndromes, Hereditary; Hereditary neoplastic syndrome. Identifiers: Orphanet 140162, MedGen C0027672, MeSH D009386, MONDO:0015356.

Allele frequency attached by ClinVar (database versions not stated): ESP Exome Variant Server 0.00008; gnomAD exomes 0.00008; ExAC 0.00010; gnomAD 0.00014 and 0.00015; 1000 Genomes Project 30x 0.00016; 1000 Genomes Project 0.00020; TOPMed 0.00020.
gnomAD v4.1: 70 of 1,613,240 alleles (0.0043%); highest among the groups gnomAD compares: African/African-American, 0.065%; no homozygotes.

Submissions (5):

Labcorp Genetics (formerly Invitae), Labcorp
Classification: Benign. Last evaluated: 2026-02-04. Review status: criteria provided, single submitter. Criteria: Invitae Variant Classification Sherloc (09022015). Collection method: clinical testing. Allele origin: germline.

CeGaT Center for Human Genetics Tuebingen
Classification: Likely benign. Last evaluated: 2025-08-01. Review status: criteria provided, single submitter. Criteria: CeGaT Center For Human Genetics Tuebingen Variant Classification Criteria Version 2. Collection method: clinical testing. Allele origin: germline. Affected: yes. Observed: 1 variant allele.
Comment: POLE: BP4, BP7

GeneDx
Classification: Likely benign. Last evaluated: 2019-03-11. Review status: criteria provided, single submitter. Criteria: GeneDx Variant Classification Process June 2021. Collection method: clinical testing. Allele origin: germline. Affected: yes.

Genetic Services Laboratory, University of Chicago
Classification: Likely benign. Last evaluated: 2018-12-18. Review status: criteria provided, single submitter. Criteria: ACMG Guidelines, 2015. Collection method: clinical testing. Allele origin: germline. Affected: no.

Ambry Genetics
Classification: Likely benign for Hereditary cancer-predisposing syndrome. Last evaluated: 2016-04-08. Review status: criteria provided, single submitter. Criteria: Ambry Variant Classification Scheme 2023. Collection method: clinical testing. Allele origin: germline.

NM_006231.4(POLE):c.6576G>A (p.Ala2192=)

Gene: POLE (DNA polymerase epsilon, catalytic subunit; minus strand). Cytogenetic location: 12q24.33.
Variant type: single nucleotide variant.
Coding change: c.6576G>A on transcript NM_006231.4 (MANE Select); coding-DNA position 6576, G replaced by A.
Protein change: p.Ala2192=; no amino-acid change (alanine 2192 retained).
Molecular consequence: synonymous variant.
Genome position (GRCh38, 1-based): chr12:132,625,726, C>T on the plus strand (G>A on the coding strand, the complement: POLE is on the minus strand). VCF-style: chr12-132625726-C-T. GRCh37 (hg19) VCF-style: chr12-133202312-C-T.
Identifiers: ClinVar variation 240603 (VCV000240603.29), dbSNP rs368555884, ClinGen allele CA6892125.